The following is an entry in ClinVar:

NM_170707.4(LMNA):c.1720G>A (p.Gly574Arg)

Gene: LMNA (lamin A/C; plus strand). Cytogenetic location: 1q22.
Variant type: single nucleotide variant.
Coding change: c.1720G>A on transcript NM_170707.4 (MANE Select); coding-DNA position 1720, G replaced by A.
Protein change: p.Gly574Arg; replaces glycine 574 with arginine.
Molecular consequence: missense variant.
Genome position (GRCh38, 1-based): chr1:156,138,509, G>A. VCF-style: chr1-156138509-G-A. GRCh37 (hg19) VCF-style: chr1-156108300-G-A.
Other names: c.1384G>A, p.Gly462Arg (NM_001257374.3, NM_001406989.1); c.1720G>A, p.Gly574Arg (NM_001282626.2, NM_001406983.1, NM_001406985.1 and 1 more transcripts); c.1477G>A, p.Gly493Arg (NM_001406986.1, NM_001406987.1); c.1423G>A, p.Gly475Arg (NM_001406988.1); c.1162G>A, p.Gly388Arg (NM_001406990.1, NM_001406993.1, NM_001406995.1 and 2 more transcripts); c.1096G>A, p.Gly366Arg (NM_001406994.1, NM_001406999.1, NM_001407000.1 and 1 more transcripts); c.1630G>A, p.Gly544Arg (NM_170708.4); short protein forms G366R, G388R, G574R, G475R, G544R, G462R, G493R.
Identifiers: ClinVar variation 3633638 (VCV003633638.2).

ClinVar aggregate classification (germline): Uncertain significance (1 of 4 stars; one submission).

Conditions:
Charcot-Marie-Tooth disease type 2. Also called: Charcot-Marie-Tooth type 2. Identifiers: Orphanet 64746, MedGen C0270914, MONDO:0018993.

Submission:

Labcorp Genetics (formerly Invitae), Labcorp
Classification: Uncertain significance for Charcot-Marie-Tooth disease type 2. Last evaluated: 2024-08-11. Review status: criteria provided, single submitter. Criteria: Invitae Variant Classification Sherloc (09022015). Collection method: clinical testing. Allele origin: germline.
Comment: This sequence change replaces glycine, which is neutral and non-polar, with arginine, which is basic and polar, at codon 574 of the LMNA protein (p.Gly574Arg). This variant is not present in population databases (gnomAD no frequency). This variant has not been reported in the literature in individuals affected with LMNA-related conditions. Advanced modeling of protein sequence and biophysical properties (such as structural, functional, and spatial information, amino acid conservation, physicochemical variation, residue mobility, and thermodynamic stability) performed at Invitae indicates that this missense variant is expected to disrupt LMNA protein function with a positive predictive value of 95%. In summary, the available evidence is currently insufficient to determine the role of this variant in disease. Therefore, it has been classified as a Variant of Uncertain Significance.